The following is an entry in ClinVar:

NM_001382430.1(AKT1):c.857G>C (p.Gly286Ala)

Gene: AKT1 (AKT serine/threonine kinase 1; minus strand). Cytogenetic location: 14q32.33.
Variant type: single nucleotide variant.
Coding change: c.857G>C on transcript NM_001382430.1 (MANE Select); coding-DNA position 857, G replaced by C.
Protein change: p.Gly286Ala; replaces glycine 286 with alanine.
Molecular consequence: missense variant.
Genome position (GRCh38, 1-based): chr14:104,773,351, C>G on the plus strand (G>C on the coding strand, the complement: AKT1 is on the minus strand). VCF-style: chr14-104773351-C-G. GRCh37 (hg19) VCF-style: chr14-105239688-C-G.
Other names: c.857G>C, p.Gly286Ala (NM_001014431.2, NM_001014432.2, NM_001382431.1 and 3 more transcripts); short protein forms G286A.
Identifiers: ClinVar variation 3519018 (VCV003519018.1).

ClinVar aggregate classification (germline): Uncertain significance (1 of 4 stars; one submission).

Conditions:
Inborn genetic diseases. Identifiers: MedGen C0950123, MeSH D030342.

Submission:

Ambry Genetics
Classification: Uncertain significance for Inborn genetic diseases. Last evaluated: 2024-09-22. Review status: criteria provided, single submitter. Criteria: Ambry Variant Classification Scheme 2023. Collection method: clinical testing. Allele origin: germline.
Comment: The p.G286A variant (also known as c.857G>C), located in coding exon 9 of the AKT1 gene, results from a G to C substitution at nucleotide position 857. The glycine at codon 286 is replaced by alanine, an amino acid with similar properties. This amino acid position is conserved. In addition, the in silico prediction for this alteration is inconclusive. Based on the available evidence, the clinical significance of this variant remains unclear.